The following is an entry in ClinVar:

ClinVar aggregate classification (germline): Uncertain significance (1 of 4 stars; one submission).

Conditions:
Inborn genetic diseases. Identifiers: MedGen C0950123, MeSH D030342.

Allele frequency attached by ClinVar (database versions not stated): gnomAD exomes below 0.00001; ExAC 0.00002.
gnomAD v4.1: 4 of 1,614,160 alleles (0.00025%); highest among the groups gnomAD compares: South Asian, 0.0033%; no homozygotes.

Submission:

Ambry Genetics
Classification: Uncertain significance for Inborn genetic diseases. Last evaluated: 2021-08-31. Review status: criteria provided, single submitter. Criteria: Ambry Variant Classification Scheme 2023. Collection method: clinical testing. Allele origin: germline.
Comment: The c.3+4A>C intronic alteration consists of a A to C substitution nucleotides after coding exon 1 in the HPD gene. Based on insufficient or conflicting evidence, the clinical significance of this alteration remains unclear.

NM_002150.3(HPD):c.3+4A>C

Genes: HPD (4-hydroxyphenylpyruvate dioxygenase; minus strand), TIALD (transcript inducer of AURKA lysosomal degradation; plus strand). Cytogenetic location: 12q24.31.
Variant type: single nucleotide variant.
Coding change: c.3+4A>C on transcript NM_002150.3 (MANE Select); 4 bases into the intron after coding-DNA position 3, A replaced by C.
Molecular consequence: intron variant.
Genome position (GRCh38, 1-based): chr12:121,858,817, T>G on the plus strand (A>C on the coding strand, the complement: HPD is on the minus strand). VCF-style: chr12-121858817-T-G. GRCh37 (hg19) VCF-style: chr12-122296723-T-G.
Other names: c.-114-104A>C (NM_001171993.2).
Identifiers: ClinVar variation 2238560 (VCV002238560.2), dbSNP rs779169586, ClinGen allele CA6839912.